The following is an entry in ClinVar:

NM_001031725.6(DDX59):c.1632A>G (p.Thr544=)

Gene: DDX59 (DEAD-box helicase 59; minus strand). Cytogenetic location: 1q32.1.
Variant type: single nucleotide variant.
Coding change: c.1632A>G on transcript NM_001031725.6 (MANE Select); coding-DNA position 1632, A replaced by G.
Protein change: p.Thr544=; no amino-acid change (threonine 544 retained).
Molecular consequence: synonymous variant. On other transcripts: intron variant (2).
Genome position (GRCh38, 1-based): chr1:200,644,482, T>C on the plus strand (A>G on the coding strand, the complement: DDX59 is on the minus strand). VCF-style: chr1-200644482-T-C. GRCh37 (hg19) VCF-style: chr1-200613610-T-C.
Other names: c.1290A>G, p.Thr430= (NM_001320182.1); c.1632A>G, p.Thr544= (NM_001349799.3, NM_001349800.3); c.1503A>G, p.Thr501= (NM_001349801.3); c.1380A>G, p.Thr460= (NM_001349803.3); c.1098A>G, p.Thr366= (NM_001349804.2); c.1597-3297A>G (NM_001349802.3); c.1597-3226A>G (NM_001320181.2).
Identifiers: ClinVar variation 1575037 (VCV001575037.22), dbSNP rs114747202, ClinGen allele CA1318217.

ClinVar aggregate classification (germline): Benign/Likely benign. Review status: criteria provided, multiple submitters, no conflicts (2 of 4 stars). 3 submissions from 3 submitters: Benign (2); Likely benign (1). Last evaluated 2025-12-08.

Allele frequency attached by ClinVar (database versions not stated): ESP Exome Variant Server 0.00062; gnomAD 0.00069 and 0.00070; 1000 Genomes Project 0.00100; TOPMed 0.00103; 1000 Genomes Project 30x 0.00109; gnomAD exomes 0.00045 and 0.00059; ExAC 0.00059.
gnomAD v4.1: 754 of 1,597,848 alleles (0.047%); highest among the groups gnomAD compares: Admixed American, 0.075%; no homozygotes.

Submissions (3):

Labcorp Genetics (formerly Invitae), Labcorp
Classification: Benign. Last evaluated: 2025-12-08. Review status: criteria provided, single submitter. Criteria: Invitae Variant Classification Sherloc (09022015). Collection method: clinical testing. Allele origin: germline.

CeGaT Center for Human Genetics Tuebingen
Classification: Likely benign. Last evaluated: 2024-12-01. Review status: criteria provided, single submitter. Criteria: CeGaT Center For Human Genetics Tuebingen Variant Classification Criteria Version 2. Collection method: clinical testing. Allele origin: germline. Affected: yes. Observed: 1 variant allele.
Comment: DDX59: BP4, BP7

Breakthrough Genomics
Classification: Benign. Review status: criteria provided, single submitter. Criteria: ACMG Guidelines, 2015. Collection method: not provided. Allele origin: germline. Inheritance: Autosomal recessive inheritance. Affected: yes.